The following is an entry in ClinVar:

ClinVar aggregate classification (germline): Benign. Review status: criteria provided, multiple submitters, no conflicts (2 of 4 stars). 3 submissions from 3 submitters: Benign (2). 1 of the submissions does not count toward it. Last evaluated 2025-12-20.

Conditions:
Dihydropyrimidinase deficiency (DPYSD). Also called: DPH DEFICIENCY; DPYS DEFICIENCY; dihydropyrimidinuria. Identifiers: Orphanet 38874, MedGen C0342803, MONDO:0009111, OMIM 222748.

Allele frequency attached by ClinVar (database versions not stated): gnomAD exomes 0.00042 and 0.00115; ExAC 0.00139; gnomAD 0.00400 and 0.00426; ESP Exome Variant Server 0.00446; 1000 Genomes Project 0.00579; TOPMed 0.00439; 1000 Genomes Project 30x 0.00671.
gnomAD v4.1: 1,256 of 1,614,232 alleles (0.078%); highest among the groups gnomAD compares: African/African-American, 1.5%; 12 homozygotes.

Submissions (3):

Labcorp Genetics (formerly Invitae), Labcorp
Classification: Benign. Last evaluated: 2025-12-20. Review status: criteria provided, single submitter. Criteria: Invitae Variant Classification Sherloc (09022015). Collection method: clinical testing. Allele origin: germline.

Illumina Laboratory Services, Illumina
Classification: Benign for Dihydropyrimidinase deficiency. Last evaluated: 2018-01-12. Review status: criteria provided, single submitter. Criteria: ICSL Variant Classification Criteria 13 December 2019. Collection method: clinical testing. Allele origin: germline.
Comment: This variant was observed in the ICSL laboratory as part of a predisposition screen in an ostensibly healthy population. It had not been previously curated by ICSL or reported in the Human Gene Mutation Database (HGMD: prior to June 1st, 2018), and was therefore a candidate for classification through an automated scoring system. Utilizing variant allele frequency, disease prevalence and penetrance estimates, and inheritance mode, an automated score was calculated to assess if this variant is too frequent to cause the disease. Based on the score and internal cut-off values, a variant classified as benign is not then subjected to further curation. The score for this variant resulted in a classification of benign for this disease.

Diasio Lab,  Mayo Clinic
No classification provided. Review status: no classification provided. Collection method: not provided. Allele origin: unknown. Not counted in ClinVar's aggregate classification.

NM_001385.3(DPYS):c.765T>C (p.Ala255=)

Gene: DPYS (dihydropyrimidinase; minus strand). Cytogenetic location: 8q22.3.
Variant type: single nucleotide variant.
Coding change: c.765T>C on transcript NM_001385.3 (MANE Select); coding-DNA position 765, T replaced by C.
Protein change: p.Ala255=; no amino-acid change (alanine 255 retained).
Molecular consequence: synonymous variant.
Genome position (GRCh38, 1-based): chr8:104,444,276, A>G on the plus strand (T>C on the coding strand, the complement: DPYS is on the minus strand). VCF-style: chr8-104444276-A-G. GRCh37 (hg19) VCF-style: chr8-105456504-A-G.
Identifiers: ClinVar variation 100141 (VCV000100141.15), dbSNP rs35371065, ClinGen allele CA228215.